The following is an entry in ClinVar:

ClinVar aggregate classification (germline): Uncertain significance. Review status: criteria provided, multiple submitters, no conflicts (2 of 4 stars). 2 submissions from 2 submitters: Uncertain significance (2). Last evaluated 2024-10-29.

Conditions:
Retinal dystrophy. Also called: Inherited retinal dystrophy. Identifiers: Orphanet 71862, MedGen C0854723, MeSH D058499, MONDO:0019118, HP:0000556.

Allele frequency attached by ClinVar (database versions not stated): ExAC 0.00002; gnomAD exomes 0.00002 and 0.00006; TOPMed 0.00002.
gnomAD v4.1: 80 of 1,613,882 alleles (0.005%); highest among the groups gnomAD compares: East Asian, 0.016%; no homozygotes.

Submissions (2):

Labcorp Genetics (formerly Invitae), Labcorp
Classification: Uncertain significance. Last evaluated: 2024-10-29. Review status: criteria provided, single submitter. Criteria: Invitae Variant Classification Sherloc (09022015). Collection method: clinical testing. Allele origin: germline.
Comment: This sequence change replaces threonine, which is neutral and polar, with alanine, which is neutral and non-polar, at codon 629 of the ADGRA3 protein (p.Thr629Ala). This variant is present in population databases (rs201067452, gnomAD 0.004%). This variant has not been reported in the literature in individuals affected with ADGRA3-related conditions. ClinVar contains an entry for this variant (Variation ID: 854495). An algorithm developed to predict the effect of missense changes on protein structure and function outputs the following: PolyPhen-2: "Benign". The alanine amino acid residue is found in multiple mammalian species, which suggests that this missense change does not adversely affect protein function. In summary, the available evidence is currently insufficient to determine the role of this variant in disease. Therefore, it has been classified as a Variant of Uncertain Significance.

Dept Of Ophthalmology, Nagoya University
Classification: Uncertain significance for Retinal dystrophy. Last evaluated: 2023-10-01. Review status: criteria provided, single submitter. Criteria: Submitter's publication. Collection method: research. Allele origin: germline. Affected: yes.

NM_145290.4(ADGRA3):c.1885A>G (p.Thr629Ala)

Gene: ADGRA3 (adhesion G protein-coupled receptor A3; minus strand). Cytogenetic location: 4p15.2.
Variant type: single nucleotide variant.
Coding change: c.1885A>G on transcript NM_145290.4 (MANE Select); coding-DNA position 1885, A replaced by G.
Protein change: p.Thr629Ala; replaces threonine 629 with alanine.
Molecular consequence: missense variant.
Genome position (GRCh38, 1-based): chr4:22,413,739, T>C on the plus strand (A>G on the coding strand, the complement: ADGRA3 is on the minus strand). VCF-style: chr4-22413739-T-C. GRCh37 (hg19) VCF-style: chr4-22415362-T-C.
Other names: short protein forms T629A.
Identifiers: ClinVar variation 854495 (VCV000854495.12), dbSNP rs201067452, ClinGen allele CA2873795.